The following is an entry in ClinVar:

ClinVar aggregate classification (germline): Uncertain significance (1 of 4 stars; one submission).

Conditions:
Vitamin B2 deficiency. Identifiers: MedGen C0035528.

Allele frequency attached by ClinVar (database versions not stated): TOPMed below 0.00001; gnomAD 0.00001; gnomAD exomes 0.00001.

Submission:

Labcorp Genetics (formerly Invitae), Labcorp
Classification: Uncertain significance for Vitamin B2 deficiency. Last evaluated: 2024-01-06. Review status: criteria provided, single submitter. Criteria: Invitae Variant Classification Sherloc (09022015). Collection method: clinical testing. Allele origin: germline.
Comment: This sequence change falls in intron 4 of the SLC52A1 gene. It does not directly change the encoded amino acid sequence of the SLC52A1 protein. It affects a nucleotide within the consensus splice site. This variant is not present in population databases (gnomAD no frequency). This variant has not been reported in the literature in individuals affected with SLC52A1-related conditions. Variants that disrupt the consensus splice site are a relatively common cause of aberrant splicing (PMID: 17576681, 9536098). Algorithms developed to predict the effect of sequence changes on RNA splicing suggest that this variant is not likely to affect RNA splicing. In summary, the available evidence is currently insufficient to determine the role of this variant in disease. Therefore, it has been classified as a Variant of Uncertain Significance.

Literature cited by the submitters: PubMed 17576681; PubMed 9536098.

NM_017986.4(SLC52A1):c.1134+6C>T

Gene: SLC52A1 (solute carrier family 52 member 1; minus strand). Cytogenetic location: 17p13.2.
Variant type: single nucleotide variant.
Coding change: c.1134+6C>T on transcript NM_017986.4 (MANE Select); 6 bases into the intron after coding-DNA position 1134, C replaced by T.
Molecular consequence: intron variant.
Genome position (GRCh38, 1-based): chr17:5,033,255, G>A on the plus strand (C>T on the coding strand, the complement: SLC52A1 is on the minus strand). VCF-style: chr17-5033255-G-A. GRCh37 (hg19) VCF-style: chr17-4936550-G-A.
Other names: c.1134+6C>T (NM_001104577.2).
Identifiers: ClinVar variation 2995564 (VCV002995564.3), dbSNP rs1418413367, ClinGen allele CA624857210.